The following is an entry in ClinVar:

NM_000342.4(SLC4A1):c.685G>A (p.Val229Met)

Gene: SLC4A1 (solute carrier family 4 member 1 (Diego blood group); minus strand). Cytogenetic location: 17q21.31.
Variant type: single nucleotide variant.
Coding change: c.685G>A on transcript NM_000342.4 (MANE Select); coding-DNA position 685, G replaced by A.
Protein change: p.Val229Met; replaces valine 229 with methionine.
Molecular consequence: missense variant.
Genome position (GRCh38, 1-based): chr17:44,259,506, C>T on the plus strand (G>A on the coding strand, the complement: SLC4A1 is on the minus strand). VCF-style: chr17-44259506-C-T. GRCh37 (hg19) VCF-style: chr17-42336874-C-T.
Other names: short protein forms V229M.
Identifiers: ClinVar variation 2002556 (VCV002002556.4), dbSNP rs878921797, ClinGen allele CA290933169.

ClinVar aggregate classification (germline): Uncertain significance (1 of 4 stars; one submission).

Allele frequency attached by ClinVar (database versions not stated): gnomAD 0.00001; TOPMed 0.00002; gnomAD exomes below 0.00001.

Submission:

Labcorp Genetics (formerly Invitae), Labcorp
Classification: Uncertain significance. Last evaluated: 2025-02-17. Review status: criteria provided, single submitter. Criteria: Invitae Variant Classification Sherloc (09022015). Collection method: clinical testing. Allele origin: germline.
Comment: This sequence change replaces valine, which is neutral and non-polar, with methionine, which is neutral and non-polar, at codon 229 of the SLC4A1 protein (p.Val229Met). This variant is present in population databases (no rsID available, gnomAD 0.007%). This variant has not been reported in the literature in individuals affected with SLC4A1-related conditions. ClinVar contains an entry for this variant (Variation ID: 2002556). Invitae Evidence Modeling of protein sequence and biophysical properties (such as structural, functional, and spatial information, amino acid conservation, physicochemical variation, residue mobility, and thermodynamic stability) indicates that this missense variant is not expected to disrupt SLC4A1 protein function with a negative predictive value of 80%. In summary, the available evidence is currently insufficient to determine the role of this variant in disease. Therefore, it has been classified as a Variant of Uncertain Significance.